The following is an entry in ClinVar:

ClinVar aggregate classification (germline): Uncertain significance (1 of 4 stars; one submission).

Allele frequency attached by ClinVar (database versions not stated): gnomAD exomes below 0.00001.

Submission:

GeneDx
Classification: Uncertain significance. Last evaluated: 2025-10-22. Review status: criteria provided, single submitter. Criteria: GeneDx Variant Classification Process June 2021. Collection method: clinical testing. Allele origin: germline. Affected: yes.
Comment: In silico analysis supports that this missense variant has a deleterious effect on protein structure/function; Has not been previously published as pathogenic or benign to our knowledge

NM_144672.4(OTOA):c.1534G>A (p.Gly512Arg)

Gene: OTOA (otoancorin). Cytogenetic location: 16p12.2.
Variant type: single nucleotide variant.
Coding change: c.1534G>A on transcript NM_144672.4 (MANE Select); coding-DNA position 1534, G replaced by A.
Protein change: p.Gly512Arg; replaces glycine 512 with arginine.
Molecular consequence: missense variant.
Genome position (GRCh38, 1-based): chr16:21,716,952, G>A. VCF-style: chr16-21716952-G-A. GRCh37 (hg19) VCF-style: chr16-21728273-G-A.
Other names: c.1297G>A, p.Gly433Arg (NM_001161683.2); c.562G>A, p.Gly188Arg (NM_170664.3); short protein forms G188R, G433R, G512R.
Identifiers: ClinVar variation 1710702 (VCV001710702.3), dbSNP rs1341199803, ClinGen allele CA395063766.